The following is an entry in ClinVar:

ClinVar aggregate classification (germline): Uncertain significance. Review status: criteria provided, multiple submitters, no conflicts (2 of 4 stars). 3 submissions from 3 submitters: Uncertain significance (3). Last evaluated 2026-06-01.

Conditions:
Inborn genetic diseases. Identifiers: MedGen C0950123, MeSH D030342.

Allele frequency attached by ClinVar (database versions not stated): TOPMed 0.00005; ExAC 0.00002; gnomAD exomes 0.00004; gnomAD 0.00005; ESP Exome Variant Server 0.00008.
gnomAD v4.1: 61 of 1,611,850 alleles (0.0038%); highest among the groups gnomAD compares: Non-Finnish European, 0.0048%; no homozygotes.

Submissions (3):

Women's Health and Genetics/Laboratory Corporation of America, LabCorp
Classification: Uncertain significance. Last evaluated: 2026-06-01. Review status: criteria provided, single submitter. Criteria: LabCorp Variant Classification Summary - May 2015. Collection method: clinical testing. Allele origin: germline.
Comment: Variant summary: LBR c.1708T>C (p.Tyr570His) results in a conservative amino acid change in the encoded protein sequence. Algorithms developed to predict the effect of missense changes on protein structure and function are either unavailable or do not agree on the potential impact of this missense change. The variant allele was found at a frequency of 2e-05 in 251416 control chromosomes. The available data on variant occurrences in the general population are insufficient to allow any conclusion about variant significance. To our knowledge, no occurrence of c.1708T>C in individuals affected with LBR-related conditions and no experimental evidence demonstrating its impact on protein function have been reported. ClinVar contains an entry for this variant (Variation ID: 2764655). Based on the evidence outlined above, the variant was classified as uncertain significance.

Ambry Genetics
Classification: Uncertain significance for Inborn genetic diseases. Last evaluated: 2025-11-19. Review status: criteria provided, single submitter. Criteria: Ambry Variant Classification Scheme 2023. Collection method: clinical testing. Allele origin: germline.

Labcorp Genetics (formerly Invitae), Labcorp
Classification: Uncertain significance. Last evaluated: 2023-11-28. Review status: criteria provided, single submitter. Criteria: Invitae Variant Classification Sherloc (09022015). Collection method: clinical testing. Allele origin: germline.
Comment: This sequence change replaces tyrosine, which is neutral and polar, with histidine, which is basic and polar, at codon 570 of the LBR protein (p.Tyr570His). This variant is present in population databases (rs146204188, gnomAD 0.004%). This variant has not been reported in the literature in individuals affected with LBR-related conditions. Advanced modeling of protein sequence and biophysical properties (such as structural, functional, and spatial information, amino acid conservation, physicochemical variation, residue mobility, and thermodynamic stability) has been performed at Invitae for this missense variant, however the output from this modeling did not meet the statistical confidence thresholds required to predict the impact of this variant on LBR protein function. In summary, the available evidence is currently insufficient to determine the role of this variant in disease. Therefore, it has been classified as a Variant of Uncertain Significance.

NM_002296.4(LBR):c.1708T>C (p.Tyr570His)

Gene: LBR (lamin B receptor; minus strand). Cytogenetic location: 1q42.12.
Variant type: single nucleotide variant.
Coding change: c.1708T>C on transcript NM_002296.4 (MANE Select); coding-DNA position 1708, T replaced by C.
Protein change: p.Tyr570His; replaces tyrosine 570 with histidine.
Molecular consequence: missense variant.
Genome position (GRCh38, 1-based): chr1:225,403,443, A>G on the plus strand (T>C on the coding strand, the complement: LBR is on the minus strand). VCF-style: chr1-225403443-A-G. GRCh37 (hg19) VCF-style: chr1-225591145-A-G.
Other names: c.1708T>C, p.Tyr570His (NM_194442.3); c.1708T>C (NM_002296.3); short protein forms Y570H.
Identifiers: ClinVar variation 2764655 (VCV002764655.5), dbSNP rs146204188, ClinGen allele CA1417045.